The following is an entry in ClinVar:

NM_000340.2(SLC2A2):c.1246G>A (p.Gly416Ser)

Gene: SLC2A2 (solute carrier family 2 member 2; minus strand). Cytogenetic location: 3q26.2.
Variant type: single nucleotide variant.
Coding change: c.1246G>A on transcript NM_000340.2 (MANE Select); coding-DNA position 1246, G replaced by A.
Protein change: p.Gly416Ser; replaces glycine 416 with serine.
Molecular consequence: missense variant.
Genome position (GRCh38, 1-based): chr3:170,998,321, C>T on the plus strand (G>A on the coding strand, the complement: SLC2A2 is on the minus strand). VCF-style: chr3-170998321-C-T. GRCh37 (hg19) VCF-style: chr3-170716110-C-T.
Other names: c.889G>A, p.Gly297Ser (NM_001278658.2); c.727G>A, p.Gly243Ser (NM_001278659.2); short protein forms G416S, G243S, G297S.
Identifiers: ClinVar variation 445147 (VCV000445147.2), dbSNP rs1553785033, ClinGen allele CA355485922.
Genomic context (GRCh38, chr3:170,998,321, plus strand): 5'-AAGCAGCAGGACGTGGTCCTTGACTGAAAAACTCAGCCACCATGAACCAGGGGATCGGGC[C>T]TGGCCCAATTTCAAAGAAGCTGACAAAGAGGAAGATGGCTATCATGCTCACATAACTCAT-3'
Protein context (NP_000331.1, residues 406-426): LFVSFFEIGP[Gly416Ser]PIPWFMVAEF

ClinVar aggregate classification (germline): Likely pathogenic (1 of 4 stars; one submission).

Conditions:
Fanconi-Bickel syndrome (FBS). Also called: PSEUDO-PHLORIZIN DIABETES; FANCONI SYNDROME WITH INTESTINAL MALABSORPTION AND GALACTOSE INTOLERANCE; HEPATIC GLYCOGENOSIS WITH AMINO ACIDURIA AND GLUCOSURIA; HEPATIC GLYCOGENOSIS WITH FANCONI NEPHROPATHY; HEPATORENAL GLYCOGENOSIS WITH RENAL FANCONI SYNDROME; Glycogen storage disease due to GLUT2 deficiency. Identifiers: Orphanet 2088, MedGen C3495427, MONDO:0009216, OMIM 227810.

Allele frequency attached by ClinVar (database versions not stated): TOPMed below 0.00001.

Submission:

Department of Medical Genetics, Sanjay Gandhi Post Graduate Institute of Medical Sciences
Classification: Likely pathogenic for Fanconi-Bickel syndrome. Last evaluated: 2016-02-01. Review status: criteria provided, single submitter. Criteria: ACMG Guidelines, 2015. Collection method: clinical testing. Allele origin: inherited. Inheritance: Autosomal recessive inheritance. Affected: yes. Observed: 1 variant allele, 1 homozygote.

Literature cited by the submitters: PubMed 27738794.